The following is an entry in ClinVar:

NM_001170700.3(DTHD1):c.2612G>A (p.Arg871Gln)

Gene: DTHD1 (death domain containing 1; plus strand). Cytogenetic location: 4p14.
Variant type: single nucleotide variant.
Coding change: c.2612G>A on transcript NM_001170700.3 (MANE Select); coding-DNA position 2612, G replaced by A.
Protein change: p.Arg871Gln; replaces arginine 871 with glutamine.
Molecular consequence: missense variant. On other transcripts: non-coding transcript variant (2).
Genome position (GRCh38, 1-based): chr4:36,343,715, G>A. VCF-style: chr4-36343715-G-A. GRCh37 (hg19) VCF-style: chr4-36345337-G-A.
Other names: c.1742G>A, p.Arg581Gln (NM_001136536.5); c.1621G>A, p.Asp541Asn (NM_001378435.1); short protein forms D541N, R581Q, R871Q.
Identifiers: ClinVar variation 2914310 (VCV002914310.3), dbSNP rs1179052199, ClinGen allele CA356682476.

ClinVar aggregate classification (germline): Uncertain significance (1 of 4 stars; one submission).

Allele frequency attached by ClinVar (database versions not stated): gnomAD exomes below 0.00001; TOPMed below 0.00001.
gnomAD v4.1: 9 of 1,551,480 alleles (0.00058%); highest among the groups gnomAD compares: South Asian, 0.0048%; no homozygotes.

Submission:

Labcorp Genetics (formerly Invitae), Labcorp
Classification: Uncertain significance. Last evaluated: 2024-12-23. Review status: criteria provided, single submitter. Criteria: Invitae Variant Classification Sherloc (09022015). Collection method: clinical testing. Allele origin: germline.
Comment: This sequence change replaces arginine, which is basic and polar, with glutamine, which is neutral and polar, at codon 581 of the DTHD1 protein (p.Arg581Gln). This variant is present in population databases (no rsID available, gnomAD 0.009%). This variant has not been reported in the literature in individuals affected with DTHD1-related conditions. ClinVar contains an entry for this variant (Variation ID: 2914310). An algorithm developed to predict the effect of missense changes on protein structure and function (PolyPhen-2) suggests that this variant is likely to be disruptive. In summary, the available evidence is currently insufficient to determine the role of this variant in disease. Therefore, it has been classified as a Variant of Uncertain Significance.